The following is an entry in ClinVar:

ClinVar aggregate classification (germline): Uncertain significance (1 of 4 stars; one submission).

Conditions:
Gorlin syndrome. Also called: Nevoid Basal Cell Carcinoma Syndrome; Basal cell nevus syndrome. Identifiers: Orphanet 377, MedGen C0004779, MONDO:0007187.

Submission:

Labcorp Genetics (formerly Invitae), Labcorp
Classification: Uncertain significance for Gorlin syndrome. Last evaluated: 2019-12-11. Review status: criteria provided, single submitter. Criteria: Invitae Variant Classification Sherloc (09022015). Collection method: clinical testing. Allele origin: germline.
Comment: This sequence change replaces threonine with proline at codon 1259 of the PTCH1 protein (p.Thr1259Pro). The threonine residue is weakly conserved and there is a small physicochemical difference between threonine and proline. This variant is not present in population databases (ExAC no frequency). This variant has not been reported in the literature in individuals with PTCH1-related conditions. Algorithms developed to predict the effect of missense changes on protein structure and function (SIFT, PolyPhen-2, Align-GVGD) all suggest that this variant is likely to be tolerated, but these predictions have not been confirmed by published functional studies and their clinical significance is uncertain. In summary, the available evidence is currently insufficient to determine the role of this variant in disease. Therefore, it has been classified as a Variant of Uncertain Significance.

NM_000264.5(PTCH1):c.3775A>C (p.Thr1259Pro)

Gene: PTCH1 (patched 1; minus strand). Cytogenetic location: 9q22.32.
Variant type: single nucleotide variant.
Coding change: c.3775A>C on transcript NM_000264.5 (MANE Select); coding-DNA position 3775, A replaced by C.
Protein change: p.Thr1259Pro; replaces threonine 1259 with proline.
Molecular consequence: missense variant. On other transcripts: non-coding transcript variant (1).
Genome position (GRCh38, 1-based): chr9:95,449,098, T>G on the plus strand (A>C on the coding strand, the complement: PTCH1 is on the minus strand). VCF-style: chr9-95449098-T-G. GRCh37 (hg19) VCF-style: chr9-98211380-T-G.
Other names: c.3577A>C, p.Thr1193Pro (NM_001083602.3); c.3772A>C, p.Thr1258Pro (NM_001083603.3); c.3322A>C, p.Thr1108Pro (NM_001083604.3, NM_001083605.3, NM_001083606.3 and 1 more transcripts); c.3619A>C, p.Thr1207Pro (NM_001354918.2); short protein forms T1258P, T1108P, T1193P, T1207P, T1259P.
Identifiers: ClinVar variation 862056 (VCV000862056.10), dbSNP rs1838207256, ClinGen allele CA374110962.
Genomic context (GRCh38, chr9:95,449,098, plus strand): 5'-CCCCTCCCCCTGGTTCTGCAGAGTCACTTACAGTGGAGTGGGCGAAGACGGGGTTTTCTG[T>G]GGCTTCCACGATCACTTGGTGGGCAGGGCCTCCCGCGCCCTGCTGGGCCTCGTAGTGCCG-3'
Protein context (NP_000255.2, residues 1249-1269): GPAHQVIVEA[Thr1259Pro]ENPVFAHSTV